The following is an entry in ClinVar:

ClinVar aggregate classification (germline): Uncertain significance. Review status: criteria provided, multiple submitters, no conflicts (2 of 4 stars). 5 submissions from 5 submitters: Uncertain significance (5). Last evaluated 2025-02-28.

Conditions:
Inborn genetic diseases. Identifiers: MedGen C0950123, MeSH D030342.
Developmental and epileptic encephalopathy, 18 (DEE18). Also called: Early infantile epileptic encephalopathy 18. Identifiers: Orphanet 369894, MedGen C3809624, MONDO:0014201, OMIM 615476.

Allele frequency attached by ClinVar (database versions not stated): TOPMed below 0.00001; gnomAD 0.00001; gnomAD exomes 0.00001 and 0.00002; ExAC 0.00002.
gnomAD v4.1: 20 of 1,614,032 alleles (0.0012%); highest among the groups gnomAD compares: South Asian, 0.014%; no homozygotes.

Submissions (5):

Ambry Genetics
Classification: Uncertain significance for Inborn genetic diseases. Last evaluated: 2025-02-28. Review status: criteria provided, single submitter. Criteria: Ambry Variant Classification Scheme 2023. Collection method: clinical testing. Allele origin: germline.

Blueprint Genetics
Classification: Uncertain significance. Last evaluated: 2024-05-16. Review status: criteria provided, single submitter. Criteria: ACMG Guidelines, 2015. Collection method: clinical testing. Allele origin: germline.

Genome-Nilou Lab
Classification: Uncertain significance for Developmental and epileptic encephalopathy, 18. Last evaluated: 2023-04-11. Review status: criteria provided, single submitter. Criteria: ACMG Guidelines, 2015. Collection method: clinical testing. Allele origin: germline. Affected: no.

Labcorp Genetics (formerly Invitae), Labcorp
Classification: Uncertain significance. Last evaluated: 2022-03-04. Review status: criteria provided, single submitter. Criteria: Invitae Variant Classification Sherloc (09022015). Collection method: clinical testing. Allele origin: germline.
Comment: This sequence change replaces arginine, which is basic and polar, with histidine, which is basic and polar, at codon 2767 of the SZT2 protein (p.Arg2767His). This variant is present in population databases (rs769083980, gnomAD 0.01%). This variant has not been reported in the literature in individuals affected with SZT2-related conditions. ClinVar contains an entry for this variant (Variation ID: 642514). Algorithms developed to predict the effect of missense changes on protein structure and function are either unavailable or do not agree on the potential impact of this missense change (SIFT: "Tolerated"; PolyPhen-2: "Probably Damaging"; Align-GVGD: "Class C0"). In summary, the available evidence is currently insufficient to determine the role of this variant in disease. Therefore, it has been classified as a Variant of Uncertain Significance.

GeneDx
Classification: Uncertain significance. Last evaluated: 2021-11-29. Review status: criteria provided, single submitter. Criteria: GeneDx Variant Classification Process June 2021. Collection method: clinical testing. Allele origin: germline. Affected: yes.
Comment: Not observed at significant frequency in large population cohorts (gnomAD); In silico analysis supports that this missense variant has a deleterious effect on protein structure/function; Has not been previously published as pathogenic or benign to our knowledge

NM_001365999.1(SZT2):c.8471G>A (p.Arg2824His)

Gene: SZT2 (SZT2 subunit of KICSTOR complex; plus strand). Cytogenetic location: 1p34.2.
Variant type: single nucleotide variant.
Coding change: c.8471G>A on transcript NM_001365999.1 (MANE Select); coding-DNA position 8471, G replaced by A.
Protein change: p.Arg2824His; replaces arginine 2824 with histidine.
Molecular consequence: missense variant.
Genome position (GRCh38, 1-based): chr1:43,443,239, G>A. VCF-style: chr1-43443239-G-A. GRCh37 (hg19) VCF-style: chr1-43908910-G-A.
Other names: c.8300G>A, p.Arg2767His (NM_015284.4); short protein forms R2824H, R2767H.
Identifiers: ClinVar variation 642514 (VCV000642514.10), dbSNP rs769083980, ClinGen allele CA810555.